The following is an entry in ClinVar:

NM_182977.3(NNT):c.989A>G (p.Asn330Ser)

Gene: NNT (nicotinamide nucleotide transhydrogenase; plus strand). Cytogenetic location: 5p12.
Variant type: single nucleotide variant.
Coding change: c.989A>G on transcript NM_182977.3 (MANE Select); coding-DNA position 989, A replaced by G.
Protein change: p.Asn330Ser; replaces asparagine 330 with serine.
Molecular consequence: missense variant.
Genome position (GRCh38, 1-based): chr5:43,644,216, A>G. VCF-style: chr5-43644216-A-G. GRCh37 (hg19) VCF-style: chr5-43644318-A-G.
Other names: c.596A>G, p.Asn199Ser (NM_001331026.2); c.989A>G, p.Asn330Ser (NM_012343.4); c.989A>G (NM_012343.3); short protein forms N199S, N330S.
Identifiers: ClinVar variation 2850399 (VCV002850399.5), dbSNP rs141100202, ClinGen allele CA3257870.
Genomic context (GRCh38, chr5:43,644,216, plus strand): 5'-TAATACAAATTGTGCTGCTTTCTTTGATTTTATTAGGTAAAAAAGCTCCAGTTTTATTTA[A>G]TAAAGAAATGATTGAGTCAATGAAGGAAGGTTCAGTTGTTGTGGATTTAGCTGCTGAGGC-3'
Protein context (NP_892022.2, residues 320-340): IPGKKAPVLF[Asn330Ser]KEMIESMKEG

ClinVar aggregate classification (germline): Likely benign. Review status: criteria provided, single submitter (1 of 4 stars). 2 submissions from 2 submitters: Likely benign (1). 1 of the submissions does not count toward it. Last evaluated 2025-11-28.

Conditions:
NNT-related disorder. Also called: NNT-related condition.

Allele frequency attached by ClinVar (database versions not stated): gnomAD exomes 0.00006; gnomAD 0.00081; 1000 Genomes Project 30x 0.00141; ExAC 0.00031; ESP Exome Variant Server 0.00054; TOPMed 0.00081; 1000 Genomes Project 0.00140.
gnomAD v4.1: 221 of 1,607,078 alleles (0.014%); highest among the groups gnomAD compares: African/African-American, 0.26%; 1 homozygote.

Submissions (2):

Labcorp Genetics (formerly Invitae), Labcorp
Classification: Likely benign. Last evaluated: 2025-11-28. Review status: criteria provided, single submitter. Criteria: Invitae Variant Classification Sherloc (09022015). Collection method: clinical testing. Allele origin: germline.

PreventionGenetics, part of Exact Sciences
Classification: Likely benign for NNT-related condition. Last evaluated: 2022-06-27. Review status: no assertion criteria provided. Collection method: clinical testing. Allele origin: germline. Not counted in ClinVar's aggregate classification.
Comment: This variant is classified as likely benign based on ACMG/AMP sequence variant interpretation guidelines (Richards et al. 2015 PMID: 25741868, with internal and published modifications).